The following is an entry in ClinVar:

NM_003919.3(SGCE):c.1285C>T (p.Gln429Ter)

Genes: CASD1 (CAS1 domain containing 1; plus strand), SGCE (sarcoglycan epsilon; minus strand). Cytogenetic location: 7q21.3.
Variant type: single nucleotide variant.
Coding change: c.1285C>T on transcript NM_003919.3 (MANE Select); coding-DNA position 1285, C replaced by T.
Protein change: p.Gln429Ter; replaces glutamine 429 with a stop codon.
Molecular consequence: nonsense.
Genome position (GRCh38, 1-based): chr7:94,588,701, G>A on the plus strand (C>T on the coding strand, the complement: SGCE is on the minus strand). VCF-style: chr7-94588701-G-A. GRCh37 (hg19) VCF-style: chr7-94218013-G-A.
Other names: c.1258C>T, p.Gln420Ter (NM_001099400.2, NM_001346717.2); c.1360C>T, p.Gln454Ter (NM_001099401.2); c.1162C>T, p.Gln388Ter (NM_001301139.2); c.1393C>T, p.Gln465Ter (NM_001346713.2); c.1366C>T, p.Gln456Ter (NM_001346715.2); c.1198C>T, p.Gln400Ter (NM_001346719.2); c.1012C>T, p.Gln338Ter (NM_001346720.2); c.1171C>T, p.Gln391Ter (NM_001362807.2); and 2 more; short protein forms Q329*, Q338*, Q379*, Q388*, Q391*, Q400*, Q420*, Q429*.
Identifiers: ClinVar variation 2443525 (VCV002443525.1), dbSNP rs371568101, ClinGen allele CA368228248.

ClinVar aggregate classification (germline): Uncertain significance (1 of 4 stars; one submission).

Submission:

GeneDx
Classification: Uncertain significance. Last evaluated: 2022-09-13. Review status: criteria provided, single submitter. Criteria: GeneDx Variant Classification Process June 2021. Collection method: clinical testing. Allele origin: germline. Affected: yes.
Comment: Not observed at significant frequency in large population cohorts (gnomAD); Nonsense variant predicted to result in protein truncation as the last 9 amino acids are lost, although loss-of-function variants have not been reported downstream of this position in the protein; Has not been previously published as pathogenic or benign to our knowledge